The following is an entry in ClinVar:

NC_012920.1(MT-ND6):m.14178T>C

Gene: MT-ND6 (mitochondrially encoded NADH dehydrogenase 6; minus strand).
Variant type: single nucleotide variant.
Genome position: chrM-14178-T-C.
Identifiers: ClinVar variation 693682 (VCV000693682.1), dbSNP rs28357671, ClinGen allele CA337099941.

ClinVar aggregate classification (germline): Benign (1 of 4 stars; one submission).

Conditions:
Leigh syndrome (NULS). Also called: Leigh's necrotizing encephalopathy; Leigh's disease; Leigh's syndrome; LEIGH SYNDROME, NUCLEAR; Leigh Syndrome (mtDNA deletion); Leigh Disease. Identifiers: Orphanet 506, MedGen C2931891, MONDO:0009723, OMIM 256000.

Submission:

Wong Mito Lab, Molecular and Human Genetics, Baylor College of Medicine
Classification: Benign for Leigh syndrome. Last evaluated: 2019-10-17. Review status: criteria provided, single submitter. Criteria: Modified ACMG Guidelines (Unpublished). Collection method: clinical testing. Allele origin: germline.
Comment: The NC_012920.1:m.14178T>C (YP_003024037.1:p.Ile166Val) variant in MTND6 gene is interpretated to be a Benign variant based on the modified ACMG guidelines (unpublished). This variant meets the following evidence codes: BA1